The following is an entry in ClinVar:

NM_001904.4(CTNNB1):c.1062G>A (p.Lys354=)

Gene: CTNNB1 (catenin beta 1; plus strand). Cytogenetic location: 3p22.1.
Variant type: single nucleotide variant.
Coding change: c.1062G>A on transcript NM_001904.4 (MANE Select); coding-DNA position 1062, G replaced by A.
Protein change: p.Lys354=; no amino-acid change (lysine 354 retained).
Molecular consequence: synonymous variant.
Genome position (GRCh38, 1-based): chr3:41,227,333, G>A. VCF-style: chr3-41227333-G-A. GRCh37 (hg19) VCF-style: chr3-41268824-G-A.
Other names: c.1062G>A (NM_001904.3); c.1062G>A, p.Lys354= (NM_001098209.2, NM_001098210.2); c.1041G>A, p.Lys347= (NM_001330729.2).
Identifiers: ClinVar variation 1633763 (VCV001633763.11), dbSNP rs748172282, ClinGen allele CA2331015.
Genomic context (GRCh38, chr3:41,227,333, plus strand): 5'-AAAACTACTGTGGACCACAAGCAGAGTGCTGAAGGTGCTATCTGTCTGCTCTAGTAATAA[G>A]CCGGCTATTGTAGAAGCTGGTAAGTATATGTATCTATTCTGAGTCTTGTGTATAGCATCT-3'
Protein context (NP_001895.1, residues 344-364): LKVLSVCSSN[Lys354=]PAIVEAGGMQ

ClinVar aggregate classification (germline): Likely benign. Review status: criteria provided, multiple submitters, no conflicts (2 of 4 stars). 3 submissions from 3 submitters: Likely benign (2). 1 of the submissions does not count toward it. Last evaluated 2025-07-30.

Conditions:
CTNNB1-related disorder. Also called: CTNNB1-related condition.

Allele frequency attached by ClinVar (database versions not stated): ExAC 0.00001; gnomAD 0.00001; gnomAD exomes 0.00001 and 0.00002; TOPMed 0.00002.
gnomAD v4.1: 35 of 1,613,814 alleles (0.0022%); highest among the groups gnomAD compares: Admixed American, 0.0067%; no homozygotes.

Submissions (3):

Labcorp Genetics (formerly Invitae), Labcorp
Classification: Likely benign. Last evaluated: 2025-07-30. Review status: criteria provided, single submitter. Criteria: Invitae Variant Classification Sherloc (09022015). Collection method: clinical testing. Allele origin: germline.

Blueprint Genetics
Classification: Likely benign. Last evaluated: 2023-03-21. Review status: criteria provided, single submitter. Criteria: ACMG Guidelines, 2015. Collection method: clinical testing. Allele origin: germline.

PreventionGenetics, part of Exact Sciences
Classification: Likely benign for CTNNB1-related condition. Last evaluated: 2019-03-28. Review status: no assertion criteria provided. Collection method: clinical testing. Allele origin: germline. Not counted in ClinVar's aggregate classification.
Comment: This variant is classified as likely benign based on ACMG/AMP sequence variant interpretation guidelines (Richards et al. 2015 PMID: 25741868, with internal and published modifications).